The following is an entry in ClinVar:

ClinVar aggregate classification (germline): Uncertain significance (1 of 4 stars; one submission).

Submission:

Ambry Genetics
Classification: Uncertain significance. Last evaluated: 2024-12-22. Review status: criteria provided, single submitter. Criteria: Ambry Variant Classification Scheme 2023. Collection method: clinical testing. Allele origin: germline.
Comment: The p.L179F variant (also known as c.535C>T), located in coding exon 5 of the RAD51B gene, results from a C to T substitution at nucleotide position 535. The leucine at codon 179 is replaced by phenylalanine, an amino acid with highly similar properties. This amino acid position is conserved. In addition, this alteration is predicted to be tolerated by in silico analysis. Based on the available evidence, the clinical significance of this variant remains unclear.

NM_133510.4(RAD51B):c.535C>T (p.Leu179Phe)

Gene: RAD51B (RAD51 paralog B; plus strand). Cytogenetic location: 14q24.1.
Variant type: single nucleotide variant.
Coding change: c.535C>T on transcript NM_133510.4 (MANE Select); coding-DNA position 535, C replaced by T.
Protein change: p.Leu179Phe; replaces leucine 179 with phenylalanine.
Molecular consequence: missense variant.
Genome position (GRCh38, 1-based): chr14:67,885,951, C>T. VCF-style: chr14-67885951-C-T. GRCh37 (hg19) VCF-style: chr14-68352668-C-T.
Other names: c.535C>T, p.Leu179Phe (NM_001321809.2, NM_001321810.2, NM_001321812.1 and 6 more transcripts); c.421C>T, p.Leu141Phe (NM_001321815.1); c.178C>T, p.Leu60Phe (NM_001321817.2); short protein forms L141F, L179F, L60F.
Identifiers: ClinVar variation 3786391 (VCV003786391.1).